The following is an entry in ClinVar:

ClinVar aggregate classification (germline): Likely benign. Review status: criteria provided, multiple submitters, no conflicts (2 of 4 stars). 3 submissions from 3 submitters: Likely benign (2). 1 of the submissions does not count toward it. Last evaluated 2025-06-19.

Conditions:
Inborn genetic diseases. Identifiers: MedGen C0950123, MeSH D030342.
MTOR-related disorder. Also called: MTOR-related condition.

Allele frequency attached by ClinVar (database versions not stated): gnomAD 0.00001 and 0.00003; TOPMed 0.00001; gnomAD exomes 0.00005 and 0.00009; ExAC 0.00014; 1000 Genomes Project 30x 0.00031; 1000 Genomes Project 0.00040.
gnomAD v4.1: 80 of 1,614,084 alleles (0.005%); highest among the groups gnomAD compares: South Asian, 0.082%; 1 homozygote.

Submissions (3):

Labcorp Genetics (formerly Invitae), Labcorp
Classification: Likely benign. Last evaluated: 2025-06-19. Review status: criteria provided, single submitter. Criteria: Invitae Variant Classification Sherloc (09022015). Collection method: clinical testing. Allele origin: germline.

Ambry Genetics
Classification: Likely benign for Inborn genetic diseases. Last evaluated: 2021-07-21. Review status: criteria provided, single submitter. Criteria: Ambry Variant Classification Scheme 2023. Collection method: clinical testing. Allele origin: germline.

PreventionGenetics, part of Exact Sciences
Classification: Likely benign for MTOR-related condition. Last evaluated: 2023-11-08. Review status: no assertion criteria provided. Collection method: clinical testing. Allele origin: germline. Not counted in ClinVar's aggregate classification.
Comment: This variant is classified as likely benign based on ACMG/AMP sequence variant interpretation guidelines (Richards et al. 2015 PMID: 25741868, with internal and published modifications).

NM_004958.4(MTOR):c.7378G>A (p.Gly2460Ser)

Gene: MTOR (mechanistic target of rapamycin kinase; minus strand). Cytogenetic location: 1p36.22.
Variant type: single nucleotide variant.
Coding change: c.7378G>A on transcript NM_004958.4 (MANE Select); coding-DNA position 7378, G replaced by A.
Protein change: p.Gly2460Ser; replaces glycine 2460 with serine.
Molecular consequence: missense variant.
Genome position (GRCh38, 1-based): chr1:11,109,718, C>T on the plus strand (G>A on the coding strand, the complement: MTOR is on the minus strand). VCF-style: chr1-11109718-C-T. GRCh37 (hg19) VCF-style: chr1-11169775-C-T.
Other names: c.7378G>A (NM_004958.3); short protein forms G2460S.
Identifiers: ClinVar variation 1011091 (VCV001011091.12), dbSNP rs574378176, ClinGen allele CA588841.